The following is an entry in ClinVar:

NM_000041.4(APOE):c.268A>G (p.Lys90Glu)

Gene: APOE (apolipoprotein E; plus strand). Cytogenetic location: 19q13.32.
Variant type: single nucleotide variant.
Coding change: c.268A>G on transcript NM_000041.4 (MANE Select); coding-DNA position 268, A replaced by G.
Protein change: p.Lys90Glu; replaces lysine 90 with glutamic acid.
Molecular consequence: missense variant.
Genome position (GRCh38, 1-based): chr19:44,908,564, A>G. VCF-style: chr19-44908564-A-G. GRCh37 (hg19) VCF-style: chr19-45411821-A-G.
Other names: c.346A>G, p.Lys116Glu (NM_001302688.2); c.268A>G, p.Lys90Glu (NM_001302689.2, NM_001302690.2, NM_001302691.2); short protein forms K116E, K90E.
Identifiers: ClinVar variation 3340172 (VCV003340172.1).

ClinVar aggregate classification (germline): Uncertain significance (1 of 4 stars; one submission).

gnomAD v4.1: 1 of 1,613,650 alleles (0.000062%); highest among the groups gnomAD compares: Non-Finnish European, 0.000085%; no homozygotes.

Submission:

GeneDx
Classification: Uncertain significance. Last evaluated: 2023-11-22. Review status: criteria provided, single submitter. Criteria: GeneDx Variant Classification Process June 2021. Collection method: clinical testing. Allele origin: germline. Affected: yes.
Comment: Identified in a patient with mixed hyperlipidemia in the published literature (PMID: 24314366); In silico analysis supports that this missense variant does not alter protein structure/function; Not observed at significant frequency in large population cohorts (gnomAD); This variant is associated with the following publications: (PMID: 24314366)